The following is an entry in ClinVar:

NM_002150.3(HPD):c.852_853dup (p.Gly285fs)

Genes: HPD (4-hydroxyphenylpyruvate dioxygenase; minus strand), TIALD (transcript inducer of AURKA lysosomal degradation; plus strand). Cytogenetic location: 12q24.31.
Variant type: Microsatellite.
Coding change: c.852_853dup on transcript NM_002150.3 (MANE Select); coding-DNA positions 852 to 853, 2 bases duplicated (AG; older notation c.852_853dupAG).
Protein change: p.Gly285fs; shifts the reading frame from glycine 285.
Molecular consequence: frameshift variant.
Genome position (GRCh38, 1-based): chr12:121,843,811-121,843,812, CT duplicated on the plus strand (AG on the coding strand, the reverse complement: HPD is on the minus strand); duplicating any 2 consecutive bases within chr12:121,843,811-121,843,821 gives the same sequence; the c. name uses the placement nearest the transcript's 3' end. VCF-style (leftmost placement, unchanged base first): chr12-121843810-C-CCT. GRCh37 (hg19) VCF-style: chr12-122281716-C-CCT.
Other names: c.735_736dup, p.Gly246fs (NM_001171993.2); short protein forms G285fs, G246fs.
Identifiers: ClinVar variation 2922293 (VCV002922293.3), dbSNP rs142252243, ClinGen allele CA244669542.
Genomic context (GRCh38, chr12:121,843,810, plus strand): 5'-GTCTTCAGCTTCTCCCGCAGTTGTTTGTAGTACGTGGAGGGAACAGATAAGAACTCCAGG[C>CCT]CTCTCTCTCTCAAGTGGCGAATCTGTTTCAGAGCAAAGCTGAGGTCAGCCTTCGGCCTCC-3'

ClinVar aggregate classification (germline): Pathogenic (1 of 4 stars; one submission).

Conditions:
Hawkinsinuria. Identifiers: Orphanet 2118, MedGen C2931042, MONDO:0007700, OMIM 140350, HP:0034457.
Tyrosinemia type III. Also called: Tyrosinemia type 3; 4-alpha hydroxyphenylpyruvic acid oxidase deficiency; 4-alpha hydroxyphenylpyruvate dioxygenase deficiency; 4-Hydroxyphenylpyruvate dioxygenase deficiency; 4-HYDROXYPHENYLPYRUVIC ACID OXIDASE DEFICIENCY. Identifiers: Orphanet 69723, MedGen C0268623, MONDO:0010162, OMIM 276710.

Submission:

Labcorp Genetics (formerly Invitae), Labcorp
Classification: Pathogenic for Tyrosinemia type III; Hawkinsinuria. Last evaluated: 2024-01-18. Review status: criteria provided, single submitter. Criteria: Invitae Variant Classification Sherloc (09022015). Collection method: clinical testing. Allele origin: germline.
Comment: This sequence change creates a premature translational stop signal (p.Gly285Glufs*20) in the HPD gene. It is expected to result in an absent or disrupted protein product. Loss-of-function variants in HPD are known to be pathogenic (PMID: 10942115, 23036342). This variant is not present in population databases (gnomAD no frequency). This variant has not been reported in the literature in individuals affected with HPD-related conditions. For these reasons, this variant has been classified as Pathogenic.

Literature cited by the submitters: PubMed 10942115; PubMed 23036342.